The following is an entry in ClinVar:

ClinVar aggregate classification (germline): Likely pathogenic (1 of 4 stars; one submission).

Conditions:
STAG3-related disorder. Also called: STAG3-related condition.

Submission:

PreventionGenetics, part of Exact Sciences
Classification: Likely pathogenic for STAG3-related condition. Last evaluated: 2023-06-06. Review status: criteria provided, single submitter. Criteria: ACMG Guidelines, 2015. Collection method: clinical testing. Allele origin: germline.
Comment: The STAG3 c.709delC variant is predicted to result in a frameshift and premature protein termination (p.Leu237Trpfs*4). To our knowledge, this variant has not been reported in the literature. This variant is reported in 0.0026% of alleles in individuals of European (Non-Finnish) descent in gnomAD. Frameshift variants in STAG3 are expected to be pathogenic. This variant is interpreted as likely pathogenic.

NM_001282717.2(STAG3):c.709del (p.Leu237fs)

Gene: STAG3 (STAG3 cohesin complex component; plus strand). Cytogenetic location: 7q22.1.
Variant type: Deletion.
Coding change: c.709del on transcript NM_001282717.2 (MANE Select); coding-DNA position 709, one base deleted (C; older notation c.709delC).
Protein change: p.Leu237fs; shifts the reading frame from leucine 237.
Molecular consequence: frameshift variant.
Genome position (GRCh38, 1-based): chr7:100,189,010, C deleted; the last of 3 consecutive C bases (chr7:100,189,008-100,189,010); deleting any one gives the same sequence. VCF-style (leftmost placement, unchanged base first): chr7-100189007-AC-A. GRCh37 (hg19) VCF-style: chr7-99786630-AC-A.
Other names: c.709del, p.Leu237fs (NM_001282716.1, NM_001375438.1, NM_012447.4); c.535del, p.Leu179fs (NM_001282718.2); short protein forms L179fs, L237fs.
Identifiers: ClinVar variation 2632675 (VCV002632675.1), dbSNP rs770908481, ClinGen allele CA4378190.